The following is an entry in ClinVar:

NM_000059.4(BRCA2):c.1262A>G (p.Gln421Arg)

Gene: BRCA2 (BRCA2 DNA repair associated; plus strand). Cytogenetic location: 13q13.1.
Variant type: single nucleotide variant.
Coding change: c.1262A>G on transcript NM_000059.4 (MANE Select); coding-DNA position 1262, A replaced by G.
Protein change: p.Gln421Arg; replaces glutamine 421 with arginine.
Molecular consequence: missense variant.
Genome position (GRCh38, 1-based): chr13:32,332,740, A>G. VCF-style: chr13-32332740-A-G. GRCh37 (hg19) VCF-style: chr13-32906877-A-G.
Other names: short protein forms Q421R.
Identifiers: ClinVar variation 479340 (VCV000479340.16), dbSNP rs1555281798, ClinGen allele CA387762331.

ClinVar aggregate classification (germline): Conflicting classifications of pathogenicity. Review status: criteria provided, conflicting classifications (1 of 4 stars). 4 submissions from 4 submitters: Uncertain significance (2); Likely benign (1). 1 of the submissions does not count toward it. Last evaluated 2024-04-29.

Conditions:
Hereditary breast ovarian cancer syndrome. Also called: Hereditary breast and ovarian cancer syndrome (HBOC); Hereditary breast and ovarian cancer syndrome; Breast and ovarian cancer; BRCA1- and BRCA2-Associated Hereditary Breast and Ovarian Cancer; Hereditary breast and ovarian cancer; Hereditary breast and/or ovarian cancer syndrome. Identifiers: Orphanet 145, MedGen C0677776, MeSH D061325, MONDO:0003582. Disease mechanism: loss of function.
BRCA2-related disorder. Also called: BRCA2-related condition; BRCA2-related disorders. Identifiers: MedGen CN239275.
Hereditary cancer-predisposing syndrome. Also called: Neoplastic Syndromes, Hereditary; Hereditary Cancer Syndrome; Hereditary neoplastic syndrome; Tumor predisposition. Identifiers: Orphanet 140162, MedGen C0027672, MeSH D009386, MONDO:0015356.

Submissions (4):

Labcorp Genetics (formerly Invitae), Labcorp
Classification: Uncertain significance for Hereditary breast ovarian cancer syndrome. Last evaluated: 2024-04-29. Review status: criteria provided, single submitter. Criteria: Invitae Variant Classification Sherloc (09022015). Collection method: clinical testing. Allele origin: germline.
Comment: This sequence change replaces glutamine, which is neutral and polar, with arginine, which is basic and polar, at codon 421 of the BRCA2 protein (p.Gln421Arg). This variant is not present in population databases (gnomAD no frequency). This variant has not been reported in the literature in individuals affected with BRCA2-related conditions. ClinVar contains an entry for this variant (Variation ID: 479340). Advanced modeling of protein sequence and biophysical properties (such as structural, functional, and spatial information, amino acid conservation, physicochemical variation, residue mobility, and thermodynamic stability) performed at Invitae indicates that this missense variant is not expected to disrupt BRCA2 protein function with a negative predictive value of 95%. In summary, the available evidence is currently insufficient to determine the role of this variant in disease. Therefore, it has been classified as a Variant of Uncertain Significance.

University of Washington Department of Laboratory Medicine, University of Washington
Classification: Likely benign for Hereditary cancer-predisposing syndrome. Last evaluated: 2023-03-23. Review status: criteria provided, single submitter. Criteria: Dines et al. (Genet Med. 2020). Collection method: curation. Allele origin: germline.
Comment: Missense variant in a coldspot region where missense variants are very unlikely to be pathogenic (PMID:31911673).

BRCA2 exon 10 coldspot. Reclassification based on statistical prior probability.

Ambry Genetics
Classification: Uncertain significance for Hereditary cancer-predisposing syndrome. Last evaluated: 2017-04-20. Review status: criteria provided, single submitter. Criteria: Ambry Variant Classification Scheme 2023. Collection method: clinical testing. Allele origin: germline.
Comment: The p.Q421R variant (also known as c.1262A>G), located in coding exon 9 of the BRCA2 gene, results from an A to G substitution at nucleotide position 1262. The glutamine at codon 421 is replaced by arginine, an amino acid with highly similar properties. This amino acid position is well conserved in available vertebrate species. In addition, this alteration is predicted to be tolerated by in silico analysis. Since supporting evidence is limited at this time, the clinical significance of this alteration remains unclear.

PreventionGenetics, part of Exact Sciences
Classification: Uncertain significance for BRCA2-related condition. Last evaluated: 2024-03-07. Review status: no assertion criteria provided. Collection method: clinical testing. Allele origin: germline. Not counted in ClinVar's aggregate classification.
Comment: The BRCA2 c.1262A>G variant is predicted to result in the amino acid substitution p.Gln421Arg. To our knowledge, this variant has not been reported in the literature or in a large population database, indicating this variant is rare. This variant occurs within a region of the BRCA2 gene that is predicted to be tolerant to missense variation (Table 2, Dines et al. 2020. PubMed ID: 31911673). This variant is interpreted as uncertain significance or likely benign in ClinVar. At this time, the clinical significance of this variant is uncertain due to the absence of conclusive functional and genetic evidence.